The following is an entry in ClinVar:

NM_001379029.1(CERT1):c.394T>C (p.Ser132Pro)

Gene: CERT1 (ceramide transporter 1; minus strand). Cytogenetic location: 5q13.3.
Variant type: single nucleotide variant.
Coding change: c.394T>C on transcript NM_001379029.1 (MANE Select); coding-DNA position 394, T replaced by C.
Protein change: p.Ser132Pro; replaces serine 132 with proline.
Molecular consequence: missense variant.
Genome position (GRCh38, 1-based): chr5:75,426,433, A>G on the plus strand (T>C on the coding strand, the complement: CERT1 is on the minus strand). VCF-style: chr5-75426433-A-G. GRCh37 (hg19) VCF-style: chr5-74722258-A-G.
Other names: c.778T>C, p.Ser260Pro (NM_001130105.1); c.394T>C, p.Ser132Pro (NM_001379002.1, NM_001379003.1, NM_001379004.1 and 2 more transcripts); short protein forms S260P, S132P.
Identifiers: ClinVar variation 452039 (VCV000452039.2), dbSNP rs1554039069, ClinGen allele CA360137050.
Genomic context (GRCh38, chr5:75,426,433, plus strand): 5'-TGAATGAAGAGGTGGATGTTGCAGAGTAGCCACTTGCTCCAGACACCAGGGACACCATTG[A>G]GCCATGTCGACGCAAGCTGGATTCAGATCCATATCCAGATTCAGTCTAAAAAAAAAAGTA-3'
Protein context (NP_001365958.1, residues 122-142): GSESSLRRHG[Ser132Pro]MVSLVSGASG

ClinVar aggregate classification (germline): Pathogenic (1 of 4 stars; one submission).

Submission:

GeneDx
Classification: Pathogenic. Last evaluated: 2017-09-20. Review status: criteria provided, single submitter. Criteria: GeneDx Variant Classification (06012015). Collection method: clinical testing. Allele origin: germline. Affected: yes.
Comment: The S260P variant in the COL4A3BP gene has not been reported previously as a pathogenic variant nor as a benign variant, to our knowledge. However, a de novo missense variant at this same codon (S260L), referred to as S132L due to alternative nomenclature, has been reported in three unrelated individuals with severe developmental disorders (Fitzgerald et al., 2015). The S260P variant is not observed in large population cohorts (Lek et al., 2016; 1000 Genomes Consortium et al., 2015; Exome Variant Server). The S260P variant is a non-conservative amino acid substitution, which occurs at a position that is conserved across species. In silico analysis predicts this variant is probably damaging to the protein structure/function. We interpret S260P as a pathogenic variant.